The following is an entry in ClinVar:

NM_000127.3(EXT1):c.909C>G (p.Asp303Glu)

Gene: EXT1 (exostosin glycosyltransferase 1; minus strand). Cytogenetic location: 8q24.11.
Variant type: single nucleotide variant.
Coding change: c.909C>G on transcript NM_000127.3 (MANE Select); coding-DNA position 909, C replaced by G.
Protein change: p.Asp303Glu; replaces aspartic acid 303 with glutamic acid.
Molecular consequence: missense variant.
Genome position (GRCh38, 1-based): chr8:118,110,138, G>C on the plus strand (C>G on the coding strand, the complement: EXT1 is on the minus strand). VCF-style: chr8-118110138-G-C. GRCh37 (hg19) VCF-style: chr8-119122377-G-C.
Other names: c.909C>G (NM_000127.2); short protein forms D303E.
Identifiers: ClinVar variation 1670782 (VCV001670782.10), dbSNP rs1176457130, ClinGen allele CA371914783.

ClinVar aggregate classification (germline): Benign. Review status: criteria provided, single submitter (1 of 4 stars). 2 submissions from 2 submitters: Benign (1). 1 of the submissions does not count toward it. Last evaluated 2025-07-21.

Conditions:
Multiple congenital exostosis (EXT). Also called: MULTIPLE CARTILAGINOUS EXOSTOSES; Hereditary multiple osteochondromas; Multiple exostoses; Multiple osteochondromas; Hereditary multiple exostoses; Hereditary multiple exostosis. Identifiers: Orphanet 321, MedGen C0015306, MONDO:0005508, HP:0002762.
EXT1-related disorder. Also called: EXT1-related condition.

Allele frequency attached by ClinVar (database versions not stated): gnomAD exomes 0.00004 and 0.00010; gnomAD 0.00016; TOPMed 0.00020.
gnomAD v4.1: 49 of 1,614,098 alleles (0.003%); highest among the groups gnomAD compares: Admixed American, 0.082%; 1 homozygote.

Submissions (2):

Labcorp Genetics (formerly Invitae), Labcorp
Classification: Benign for Multiple congenital exostosis. Last evaluated: 2025-07-21. Review status: criteria provided, single submitter. Criteria: Invitae Variant Classification Sherloc (09022015). Collection method: clinical testing. Allele origin: germline.

PreventionGenetics, part of Exact Sciences
Classification: Uncertain significance for EXT1-related condition. Last evaluated: 2024-02-08. Review status: no assertion criteria provided. Collection method: clinical testing. Allele origin: germline. Not counted in ClinVar's aggregate classification.
Comment: The EXT1 c.909C>G variant is predicted to result in the amino acid substitution p.Asp303Glu. To our knowledge, this variant has not been reported in the literature. This variant is reported in 0.072% of alleles in individuals of Latino descent in gnomAD. Although we suspect that this variant may be benign, at this time, the clinical significance of this variant is uncertain due to the absence of conclusive functional and genetic evidence.